The following is an entry in ClinVar:

ClinVar aggregate classification (germline): Uncertain significance. Review status: criteria provided, multiple submitters, no conflicts (2 of 4 stars). 3 submissions from 3 submitters: Uncertain significance (3). Last evaluated 2024-02-21.

Conditions:
Inborn genetic diseases. Identifiers: MedGen C0950123, MeSH D030342.

Allele frequency attached by ClinVar (database versions not stated): ExAC 0.00010; gnomAD exomes 0.00010 and 0.00005; 1000 Genomes Project 30x 0.00016; 1000 Genomes Project 0.00020; TOPMed 0.00003; gnomAD 0.00007.
gnomAD v4.1: 82 of 1,608,964 alleles (0.0051%); highest among the groups gnomAD compares: South Asian, 0.041%; 1 homozygote.

Submissions (3):

Ambry Genetics
Classification: Uncertain significance for Inborn genetic diseases. Last evaluated: 2024-02-21. Review status: criteria provided, single submitter. Criteria: Ambry Variant Classification Scheme 2023. Collection method: clinical testing. Allele origin: germline.

Labcorp Genetics (formerly Invitae), Labcorp
Classification: Uncertain significance. Last evaluated: 2022-06-08. Review status: criteria provided, single submitter. Criteria: Invitae Variant Classification Sherloc (09022015). Collection method: clinical testing. Allele origin: germline.
Comment: This sequence change replaces alanine, which is neutral and non-polar, with threonine, which is neutral and polar, at codon 87 of the MEOX1 protein (p.Ala87Thr). This variant is present in population databases (rs552373762, gnomAD 0.05%). This variant has not been reported in the literature in individuals affected with MEOX1-related conditions. Algorithms developed to predict the effect of missense changes on protein structure and function output the following: SIFT: "Deleterious"; PolyPhen-2: "Benign"; Align-GVGD: "Class C0". The threonine amino acid residue is found in multiple mammalian species, which suggests that this missense change does not adversely affect protein function. In summary, the available evidence is currently insufficient to determine the role of this variant in disease. Therefore, it has been classified as a Variant of Uncertain Significance.

Breakthrough Genomics
Classification: Uncertain significance. Review status: criteria provided, single submitter. Criteria: ACMG Guidelines, 2015. Collection method: not provided. Allele origin: germline. Inheritance: Autosomal recessive inheritance. Affected: yes.

NM_004527.4(MEOX1):c.259G>A (p.Ala87Thr)

Gene: MEOX1 (mesenchyme homeobox 1; minus strand). Cytogenetic location: 17q21.31.
Variant type: single nucleotide variant.
Coding change: c.259G>A on transcript NM_004527.4 (MANE Select); coding-DNA position 259, G replaced by A.
Protein change: p.Ala87Thr; replaces alanine 87 with threonine.
Molecular consequence: missense variant. On other transcripts: 5 prime UTR variant (1).
Genome position (GRCh38, 1-based): chr17:43,661,276, C>T on the plus strand (G>A on the coding strand, the complement: MEOX1 is on the minus strand). VCF-style: chr17-43661276-C-T. GRCh37 (hg19) VCF-style: chr17-41738644-C-T.
Other names: c.-87G>A (NM_001040002.2); c.259G>A, p.Ala87Thr (NM_013999.4); c.259G>A (NM_004527.3); short protein forms A87T.
Identifiers: ClinVar variation 1407500 (VCV001407500.5), dbSNP rs552373762, ClinGen allele CA8592672.